The following is an entry in ClinVar:

ClinVar aggregate classification (germline): Uncertain significance. Review status: criteria provided, multiple submitters, no conflicts (2 of 4 stars). 3 submissions from 3 submitters: Uncertain significance (3). Last evaluated 2024-10-11.

Conditions:
Inborn genetic diseases. Identifiers: MedGen C0950123, MeSH D030342.

Allele frequency attached by ClinVar (database versions not stated): TOPMed 0.00001; gnomAD 0.00002 and 0.00003; gnomAD exomes 0.00003 and 0.00006; ExAC 0.00008; 1000 Genomes Project 0.00020; 1000 Genomes Project 30x 0.00031.
gnomAD v4.1: 49 of 1,613,102 alleles (0.003%); highest among the groups gnomAD compares: South Asian, 0.026%; no homozygotes.

Submissions (3):

Blueprint Genetics
Classification: Uncertain significance. Last evaluated: 2024-10-11. Review status: criteria provided, single submitter. Criteria: ACMG Guidelines, 2015. Collection method: clinical testing. Allele origin: germline.

GeneDx
Classification: Uncertain significance. Last evaluated: 2021-08-27. Review status: criteria provided, single submitter. Criteria: GeneDx Variant Classification Process June 2021. Collection method: clinical testing. Allele origin: germline. Affected: yes.
Comment: In silico analysis supports that this missense variant has a deleterious effect on protein structure/function; Has not been previously published as pathogenic or benign to our knowledge

Ambry Genetics
Classification: Uncertain significance for Inborn genetic diseases. Last evaluated: 2021-08-04. Review status: criteria provided, single submitter. Criteria: Ambry Variant Classification Scheme 2023. Collection method: clinical testing. Allele origin: germline.

NM_005993.5(TBCD):c.2867C>T (p.Ser956Phe)

Gene: TBCD (tubulin folding cofactor D). Cytogenetic location: 17q25.3.
Variant type: single nucleotide variant.
Coding change: c.2867C>T on transcript NM_005993.5 (MANE Select); coding-DNA position 2867, C replaced by T.
Protein change: p.Ser956Phe; replaces serine 956 with phenylalanine.
Molecular consequence: missense variant.
Genome position (GRCh38, 1-based): chr17:82,929,376, C>T. VCF-style: chr17-82929376-C-T. GRCh37 (hg19) VCF-style: chr17-80887252-C-T.
Other names: short protein forms S956F.
Identifiers: ClinVar variation 1302399 (VCV001302399.5), dbSNP rs567316358, ClinGen allele CA8863289.
Genomic context (GRCh38, chr17:82,929,376, plus strand): 5'-GCGAGATCATTGGCAGCCCGGCCTTGTCTCACTCACTCTCTTGCAGGTCCGATGTGGCCT[C>T]CGTGAACTGGAGTGCACCTTCCCAGGCCTTCCCACGCATCACCCAGCTCCTTGGGCTGCC-3'
Protein context (NP_005984.3, residues 946-966): EKLFPRSDVA[Ser956Phe]VNWSAPSQAF